The following is an entry in ClinVar:

NM_001081.4(CUBN):c.6572T>C (p.Met2191Thr)

Gene: CUBN (cubilin; minus strand). Cytogenetic location: 10p13.
Variant type: single nucleotide variant.
Coding change: c.6572T>C on transcript NM_001081.4 (MANE Select); coding-DNA position 6572, T replaced by C.
Protein change: p.Met2191Thr; replaces methionine 2191 with threonine.
Molecular consequence: missense variant.
Genome position (GRCh38, 1-based): chr10:16,925,315, A>G on the plus strand (T>C on the coding strand, the complement: CUBN is on the minus strand). VCF-style: chr10-16925315-A-G. GRCh37 (hg19) VCF-style: chr10-16967314-A-G.
Other names: short protein forms M2191T.
Identifiers: ClinVar variation 4822856 (VCV004822856.4).

ClinVar aggregate classification (germline): Uncertain significance (1 of 4 stars; one submission).

gnomAD v4.1: 12 of 1,613,954 alleles (0.00074%); highest among the groups gnomAD compares: African/African-American, 0.0013%; no homozygotes.

Submission:

CeGaT Center for Human Genetics Tuebingen
Classification: Uncertain significance. Last evaluated: 2026-05-01. Review status: criteria provided, single submitter. Criteria: CeGaT Center For Human Genetics Tuebingen Variant Classification Criteria Version 2. Collection method: clinical testing. Allele origin: germline. Affected: yes. Observed: 1 variant allele.
Comment: CUBN: PM2